The following is an entry in ClinVar:

NM_001365999.1(SZT2):c.5363G>A (p.Gly1788Asp)

Gene: SZT2 (SZT2 subunit of KICSTOR complex; plus strand). Cytogenetic location: 1p34.2.
Variant type: single nucleotide variant.
Coding change: c.5363G>A on transcript NM_001365999.1 (MANE Select); coding-DNA position 5363, G replaced by A.
Protein change: p.Gly1788Asp; replaces glycine 1788 with aspartic acid.
Molecular consequence: missense variant.
Genome position (GRCh38, 1-based): chr1:43,432,360, G>A. VCF-style: chr1-43432360-G-A. GRCh37 (hg19) VCF-style: chr1-43898031-G-A.
Other names: c.5192G>A, p.Gly1731Asp (NM_015284.4); short protein forms G1788D, G1731D.
Identifiers: ClinVar variation 1369480 (VCV001369480.5), dbSNP rs764235901, ClinGen allele CA809552.

ClinVar aggregate classification (germline): Uncertain significance (1 of 4 stars; one submission).

Allele frequency attached by ClinVar (database versions not stated): ExAC 0.00001; gnomAD exomes 0.00001.
gnomAD v4.1: 3 of 1,607,728 alleles (0.00019%); highest among the groups gnomAD compares: East Asian, 0.0022%; no homozygotes.

Submission:

Labcorp Genetics (formerly Invitae), Labcorp
Classification: Uncertain significance. Last evaluated: 2022-07-22. Review status: criteria provided, single submitter. Criteria: Invitae Variant Classification Sherloc (09022015). Collection method: clinical testing. Allele origin: germline.
Comment: This sequence change replaces glycine, which is neutral and non-polar, with aspartic acid, which is acidic and polar, at codon 1731 of the SZT2 protein (p.Gly1731Asp). This variant is present in population databases (rs764235901, gnomAD 0.003%). This variant has not been reported in the literature in individuals affected with SZT2-related conditions. ClinVar contains an entry for this variant (Variation ID: 1369480). Algorithms developed to predict the effect of missense changes on protein structure and function output the following: SIFT: "Tolerated"; PolyPhen-2: "Benign"; Align-GVGD: "Class C0". The aspartic acid amino acid residue is found in multiple mammalian species, which suggests that this missense change does not adversely affect protein function. Algorithms developed to predict the effect of sequence changes on RNA splicing suggest that this variant may disrupt the consensus splice site. In summary, the available evidence is currently insufficient to determine the role of this variant in disease. Therefore, it has been classified as a Variant of Uncertain Significance.